The following is an entry in ClinVar:

ClinVar aggregate classification (germline): Uncertain significance (1 of 4 stars; one submission).

Conditions:
Fanconi anemia (FA). Also called: Fanconi's anemia. Identifiers: Orphanet 84, MedGen C0015625, MeSH D005199, MONDO:0019391.

Submission:

Labcorp Genetics (formerly Invitae), Labcorp
Classification: Uncertain significance for Fanconi anemia. Last evaluated: 2023-09-10. Review status: criteria provided, single submitter. Criteria: Invitae Variant Classification Sherloc (09022015). Collection method: clinical testing. Allele origin: germline.
Comment: In summary, the available evidence is currently insufficient to determine the role of this variant in disease. Therefore, it has been classified as a Variant of Uncertain Significance. Algorithms developed to predict the effect of missense changes on protein structure and function output the following: SIFT: "Not Available"; PolyPhen-2: "Possibly Damaging"; Align-GVGD: "Not Available". The serine amino acid residue is found in multiple mammalian species, which suggests that this missense change does not adversely affect protein function. This variant has not been reported in the literature in individuals affected with FANCI-related conditions. This variant is not present in population databases (gnomAD no frequency). This sequence change replaces alanine, which is neutral and non-polar, with serine, which is neutral and polar, at codon 599 of the FANCI protein (p.Ala599Ser).

NM_001113378.2(FANCI):c.1795G>T (p.Ala599Ser)

Gene: FANCI (FA complementation group I; plus strand). Cytogenetic location: 15q26.1.
Variant type: single nucleotide variant.
Coding change: c.1795G>T on transcript NM_001113378.2 (MANE Select); coding-DNA position 1795, G replaced by T.
Protein change: p.Ala599Ser; replaces alanine 599 with serine.
Molecular consequence: missense variant.
Genome position (GRCh38, 1-based): chr15:89,285,192, G>T. VCF-style: chr15-89285192-G-T. GRCh37 (hg19) VCF-style: chr15-89828423-G-T.
Other names: c.1516G>T, p.Ala506Ser (NM_001376910.1); c.1795G>T, p.Ala599Ser (NM_001376911.1, NM_018193.3); short protein forms A599S, A506S.
Identifiers: ClinVar variation 2759745 (VCV002759745.3), dbSNP rs2507057630, ClinGen allele CA393745941.